The following is an entry in ClinVar:

ClinVar aggregate classification (germline): Conflicting classifications of pathogenicity. Review status: criteria provided, conflicting classifications (1 of 4 stars). 3 submissions from 3 submitters: Uncertain significance (2); Likely benign (1). Last evaluated 2025-06-23.

Conditions:
Inborn genetic diseases. Identifiers: MedGen C0950123, MeSH D030342.

Allele frequency attached by ClinVar (database versions not stated): gnomAD exomes below 0.00001; ExAC 0.00001; gnomAD 0.00001; TOPMed 0.00002; ESP Exome Variant Server 0.00008.
gnomAD v4.1: 5 of 1,613,910 alleles (0.00031%); highest among the groups gnomAD compares: Admixed American, 0.0017%; no homozygotes.

Submissions (3):

Ambry Genetics
Classification: Uncertain significance for Inborn genetic diseases. Last evaluated: 2025-06-23. Review status: criteria provided, single submitter. Criteria: Ambry Variant Classification Scheme 2023. Collection method: clinical testing. Allele origin: germline.

Labcorp Genetics (formerly Invitae), Labcorp
Classification: Uncertain significance. Last evaluated: 2022-11-08. Review status: criteria provided, single submitter. Criteria: Invitae Variant Classification Sherloc (09022015). Collection method: clinical testing. Allele origin: germline.
Comment: In summary, the available evidence is currently insufficient to determine the role of this variant in disease. Therefore, it has been classified as a Variant of Uncertain Significance. Advanced modeling of protein sequence and biophysical properties (such as structural, functional, and spatial information, amino acid conservation, physicochemical variation, residue mobility, and thermodynamic stability) has been performed at Invitae for this missense variant, however the output from this modeling did not meet the statistical confidence thresholds required to predict the impact of this variant on PDE6A protein function. ClinVar contains an entry for this variant (Variation ID: 1362673). This variant has not been reported in the literature in individuals affected with PDE6A-related conditions. This variant is present in population databases (rs371269459, gnomAD 0.004%). This sequence change replaces leucine, which is neutral and non-polar, with proline, which is neutral and non-polar, at codon 37 of the PDE6A protein (p.Leu37Pro).

Blueprint Genetics
Classification: Likely benign. Last evaluated: 2022-08-31. Review status: criteria provided, single submitter. Criteria: ACMG Guidelines, 2015. Collection method: clinical testing. Allele origin: germline.

NM_000440.3(PDE6A):c.110T>C (p.Leu37Pro)

Gene: PDE6A (phosphodiesterase 6A; minus strand). Cytogenetic location: 5q32.
Variant type: single nucleotide variant.
Coding change: c.110T>C on transcript NM_000440.3 (MANE Select); coding-DNA position 110, T replaced by C.
Protein change: p.Leu37Pro; replaces leucine 37 with proline.
Molecular consequence: missense variant.
Genome position (GRCh38, 1-based): chr5:149,944,564, A>G on the plus strand (T>C on the coding strand, the complement: PDE6A is on the minus strand). VCF-style: chr5-149944564-A-G. GRCh37 (hg19) VCF-style: chr5-149324127-A-G.
Other names: c.110T>C (NM_000440.2); short protein forms L37P.
Identifiers: ClinVar variation 1362673 (VCV001362673.10), dbSNP rs371269459, ClinGen allele CA3505144.